The following is an entry in ClinVar:

NM_000391.4(TPP1):c.1090G>A (p.Gly364Arg)

Gene: TPP1 (tripeptidyl peptidase 1; minus strand). Cytogenetic location: 11p15.4.
Variant type: single nucleotide variant.
Coding change: c.1090G>A on transcript NM_000391.4 (MANE Select); coding-DNA position 1090, G replaced by A.
Protein change: p.Gly364Arg; replaces glycine 364 with arginine.
Molecular consequence: missense variant.
Genome position (GRCh38, 1-based): chr11:6,616,060, C>T on the plus strand (G>A on the coding strand, the complement: TPP1 is on the minus strand). VCF-style: chr11-6616060-C-T. GRCh37 (hg19) VCF-style: chr11-6637291-C-T.
Other names: short protein forms G364R.
Identifiers: ClinVar variation 990499 (VCV000990499.8), dbSNP rs756237773, ClinGen allele CA5858754.

ClinVar aggregate classification (germline): Uncertain significance. Review status: criteria provided, single submitter (1 of 4 stars). 2 submissions from 2 submitters: Uncertain significance (1). 1 of the submissions does not count toward it. Last evaluated 2025-12-01.

Conditions:
Neuronal ceroid lipofuscinosis 2. Also called: TPP1-Related Neuronal Ceroid-Lipofuscinosis; JANSKY-BIELSCHOWSKY DISEASE NEURONAL CEROID LIPOFUSCINOSIS, LATE INFANTILE. Identifiers: Orphanet 168491, Orphanet 228349, Orphanet 79264, MedGen C1876161, MONDO:0008769, OMIM 204500.

Allele frequency attached by ClinVar (database versions not stated): gnomAD 0.00002 and 0.00003; TOPMed 0.00002; gnomAD exomes 0.00003; ExAC 0.00005.
gnomAD v4.1: 43 of 1,614,038 alleles (0.0027%); highest among the groups gnomAD compares: African/African-American, 0.0053%; no homozygotes.

Submissions (2):

Labcorp Genetics (formerly Invitae), Labcorp
Classification: Uncertain significance. Last evaluated: 2025-12-01. Review status: criteria provided, single submitter. Criteria: Invitae Variant Classification Sherloc (09022015). Collection method: clinical testing. Allele origin: germline.
Comment: This sequence change replaces glycine, which is neutral and non-polar, with arginine, which is basic and polar, at codon 364 of the TPP1 protein (p.Gly364Arg). This variant is present in population databases (rs756237773, gnomAD 0.01%). This variant has not been reported in the literature in individuals affected with TPP1-related conditions. ClinVar contains an entry for this variant (Variation ID: 990499). Invitae Evidence Modeling of protein sequence and biophysical properties (such as structural, functional, and spatial information, amino acid conservation, physicochemical variation, residue mobility, and thermodynamic stability) indicates that this missense variant is expected to disrupt TPP1 protein function with a positive predictive value of 95%. In summary, the available evidence is currently insufficient to determine the role of this variant in disease. Therefore, it has been classified as a Variant of Uncertain Significance.

Natera, Inc.
Classification: Uncertain significance for Neuronal ceroid lipofuscinosis 2. Last evaluated: 2020-04-14. Review status: no assertion criteria provided. Collection method: clinical testing. Allele origin: germline. Not counted in ClinVar's aggregate classification.